The following is an entry in ClinVar:

NM_004260.4(RECQL4):c.3262T>C (p.Cys1088Arg)

Gene: RECQL4 (RecQ like helicase 4; minus strand). Cytogenetic location: 8q24.3.
Variant type: single nucleotide variant.
Coding change: c.3262T>C on transcript NM_004260.4 (MANE Select); coding-DNA position 3262, T replaced by C.
Protein change: p.Cys1088Arg; replaces cysteine 1088 with arginine.
Molecular consequence: missense variant.
Genome position (GRCh38, 1-based): chr8:144,512,042, A>G on the plus strand (T>C on the coding strand, the complement: RECQL4 is on the minus strand). VCF-style: chr8-144512042-A-G. GRCh37 (hg19) VCF-style: chr8-145737425-A-G.
Other names: short protein forms C1088R.
Identifiers: ClinVar variation 459468 (VCV000459468.2), dbSNP rs1554896393, ClinGen allele CA372669178.
Genomic context (GRCh38, chr8:144,512,042, plus strand): 5'-AGTAGCGGCCGAGCAGGTCCTTGAGCCTGGTGCTGCGCTCCTCATCCTGCTGCTCCAGGC[A>G]GGGCCCGCAGCTGGGGAAGGCTACGCTGTGGGGAGGAGCCTGTCAGAGCTGATCACTGCG-3'
Protein context (NP_004251.4, residues 1078-1098): HSVAFPSCGP[Cys1088Arg]LEQQDEERST

ClinVar aggregate classification (germline): Uncertain significance (1 of 4 stars; one submission).

Conditions:
Baller-Gerold syndrome (BGS). Also called: CRANIOSYNOSTOSIS WITH RADIAL DEFECTS. Identifiers: Orphanet 1225, MedGen C0265308, MONDO:0009039, OMIM 218600.

Allele frequency attached by ClinVar (database versions not stated): gnomAD exomes below 0.00001.
gnomAD v4.1: 3 of 1,608,484 alleles (0.00019%); highest among the groups gnomAD compares: African/African-American, 0.0027%; no homozygotes.

Submission:

Labcorp Genetics (formerly Invitae), Labcorp
Classification: Uncertain significance for Baller-Gerold syndrome. Last evaluated: 2022-04-24. Review status: criteria provided, single submitter. Criteria: Invitae Variant Classification Sherloc (09022015). Collection method: clinical testing. Allele origin: germline.
Comment: This sequence change replaces cysteine, which is neutral and slightly polar, with arginine, which is basic and polar, at codon 1088 of the RECQL4 protein (p.Cys1088Arg). This variant is not present in population databases (gnomAD no frequency). This variant has not been reported in the literature in individuals affected with RECQL4-related conditions. ClinVar contains an entry for this variant (Variation ID: 459468). In summary, the available evidence is currently insufficient to determine the role of this variant in disease. Therefore, it has been classified as a Variant of Uncertain Significance.